The following is an entry in ClinVar:

ClinVar aggregate classification (germline): Conflicting classifications of pathogenicity. Review status: criteria provided, conflicting classifications (1 of 4 stars). 2 submissions from 2 submitters: Uncertain significance (1); Likely benign (1). Last evaluated 2022-05-11.

Allele frequency attached by ClinVar (database versions not stated): TOPMed 0.00001; ESP Exome Variant Server 0.00008.
gnomAD v4.1: 34 of 1,613,296 alleles (0.0021%); highest among the groups gnomAD compares: Non-Finnish European, 0.0026%; no homozygotes.

Submissions (2):

Labcorp Genetics (formerly Invitae), Labcorp
Classification: Uncertain significance. Last evaluated: 2022-05-11. Review status: criteria provided, single submitter. Criteria: Invitae Variant Classification Sherloc (09022015). Collection method: clinical testing. Allele origin: germline.
Comment: This sequence change falls in intron 4 of the TYMP gene. It does not directly change the encoded amino acid sequence of the TYMP protein. It affects a nucleotide within the consensus splice site. This variant is present in population databases (rs369574115, gnomAD 0.006%). This variant has not been reported in the literature in individuals affected with TYMP-related conditions. ClinVar contains an entry for this variant (Variation ID: 258496). Variants that disrupt the consensus splice site are a relatively common cause of aberrant splicing (PMID: 17576681, 9536098). Algorithms developed to predict the effect of sequence changes on RNA splicing suggest that this variant is not likely to affect RNA splicing. In summary, the available evidence is currently insufficient to determine the role of this variant in disease. Therefore, it has been classified as a Variant of Uncertain Significance.

PreventionGenetics, part of Exact Sciences
Classification: Likely benign. Review status: criteria provided, single submitter. Criteria: ACMG Guidelines, 2015. Collection method: clinical testing. Allele origin: germline.

Literature cited by the submitters: PubMed 17576681 (cited by Labcorp Genetics (formerly Invitae), Labcorp); PubMed 9536098 (cited by Labcorp Genetics (formerly Invitae), Labcorp).

NM_001953.5(TYMP):c.516+4C>T

Gene: TYMP (thymidine phosphorylase; minus strand). Cytogenetic location: 22q13.33.
Variant type: single nucleotide variant.
Coding change: c.516+4C>T on transcript NM_001953.5 (MANE Select); 4 bases into the intron after coding-DNA position 516, C replaced by T.
Molecular consequence: intron variant.
Genome position (GRCh38, 1-based): chr22:50,528,508, G>A on the plus strand (C>T on the coding strand, the complement: TYMP is on the minus strand). VCF-style: chr22-50528508-G-A. GRCh37 (hg19) VCF-style: chr22-50966937-G-A.
Other names: c.516+4C>T (NM_001257989.1, NM_001257988.1, NM_001113755.3 and 3 more transcripts).
Identifiers: ClinVar variation 258496 (VCV000258496.10), dbSNP rs369574115, ClinGen allele CA10587381.